The following is an entry in ClinVar:

NM_000693.4(ALDH1A3):c.1334C>T (p.Thr445Ile)

Genes: ALDH1A3 (aldehyde dehydrogenase 1 family member A3; plus strand), ALDH1A3-AS1 (ALDH1A3 antisense RNA 1; minus strand). Cytogenetic location: 15q26.3.
Variant type: single nucleotide variant.
Coding change: c.1334C>T on transcript NM_000693.4 (MANE Select); coding-DNA position 1334, C replaced by T.
Protein change: p.Thr445Ile; replaces threonine 445 with isoleucine.
Molecular consequence: missense variant.
Genome position (GRCh38, 1-based): chr15:100,907,221, C>T. VCF-style: chr15-100907221-C-T. GRCh37 (hg19) VCF-style: chr15-101447426-C-T.
Other names: c.1013C>T, p.Thr338Ile (NM_001293815.2); short protein forms T338I, T445I.
Identifiers: ClinVar variation 4279036 (VCV004279036.1).

ClinVar aggregate classification (germline): Likely pathogenic (1 of 4 stars; one submission).

Conditions:
Isolated microphthalmia 8. Identifiers: Orphanet 2542, MedGen C3554524, MONDO:0014050, OMIM 615113.

Submission:

Institute of Human Genetics, University of Leipzig Medical Center
Classification: Likely pathogenic for Isolated microphthalmia 8. Last evaluated: 2025-08-18. Review status: criteria provided, single submitter. Criteria: ACMG Guidelines, 2015. Collection method: clinical testing. Allele origin: unknown. Inheritance: Autosomal recessive inheritance. Affected: yes.
Comment: Criteria applied: PM1,PM2,PM3_SUP,PP3,PP4